The following is an entry in ClinVar:

ClinVar aggregate classification (germline): Uncertain significance (1 of 4 stars; one submission).

Submission:

Labcorp Genetics (formerly Invitae), Labcorp
Classification: Uncertain significance. Last evaluated: 2022-04-04. Review status: criteria provided, single submitter. Criteria: Invitae Variant Classification Sherloc (09022015). Collection method: clinical testing. Allele origin: germline.
Comment: Algorithms developed to predict the effect of missense changes on protein structure and function (SIFT, PolyPhen-2, Align-GVGD) all suggest that this variant is likely to be tolerated. In summary, the available evidence is currently insufficient to determine the role of this variant in disease. Therefore, it has been classified as a Variant of Uncertain Significance. Algorithms developed to predict the effect of sequence changes on RNA splicing suggest that this variant may disrupt the consensus splice site. This variant has not been reported in the literature in individuals affected with NAA15-related conditions. This variant is not present in population databases (gnomAD no frequency). This sequence change replaces histidine, which is basic and polar, with tyrosine, which is neutral and polar, at codon 705 of the NAA15 protein (p.His705Tyr).

NM_057175.5(NAA15):c.2113C>T (p.His705Tyr)

Gene: NAA15 (N-alpha-acetyltransferase 15, NatA auxiliary subunit; plus strand). Cytogenetic location: 4q31.1.
Variant type: single nucleotide variant.
Coding change: c.2113C>T on transcript NM_057175.5 (MANE Select); coding-DNA position 2113, C replaced by T.
Protein change: p.His705Tyr; replaces histidine 705 with tyrosine.
Molecular consequence: missense variant.
Genome position (GRCh38, 1-based): chr4:139,378,812, C>T. VCF-style: chr4-139378812-C-T. GRCh37 (hg19) VCF-style: chr4-140299966-C-T.
Other names: c.2113C>T, p.His705Tyr (NM_001410842.1); c.*522C>T (NM_025085.2); short protein forms H705Y.
Identifiers: ClinVar variation 1964349 (VCV001964349.5), dbSNP rs2530464766, ClinGen allele CA358270332.